The following is an entry in ClinVar:

ClinVar aggregate classification (germline): Uncertain significance (1 of 4 stars; one submission).

Submission:

Labcorp Genetics (formerly Invitae), Labcorp
Classification: Uncertain significance. Last evaluated: 2022-07-19. Review status: criteria provided, single submitter. Criteria: Invitae Variant Classification Sherloc (09022015). Collection method: clinical testing. Allele origin: germline.
Comment: This sequence change replaces glutamine, which is neutral and polar, with arginine, which is basic and polar, at codon 2419 of the SRCAP protein (p.Gln2419Arg). This variant is not present in population databases (gnomAD no frequency). This variant has not been reported in the literature in individuals affected with SRCAP-related conditions. Algorithms developed to predict the effect of missense changes on protein structure and function (SIFT, PolyPhen-2, Align-GVGD) all suggest that this variant is likely to be tolerated. In summary, the available evidence is currently insufficient to determine the role of this variant in disease. Therefore, it has been classified as a Variant of Uncertain Significance.

NM_006662.3(SRCAP):c.7256A>G (p.Gln2419Arg)

Gene: SRCAP (Snf2 related CREBBP activator protein; plus strand). Cytogenetic location: 16p11.2.
Variant type: single nucleotide variant.
Coding change: c.7256A>G on transcript NM_006662.3 (MANE Select); coding-DNA position 7256, A replaced by G.
Protein change: p.Gln2419Arg; replaces glutamine 2419 with arginine.
Molecular consequence: missense variant.
Genome position (GRCh38, 1-based): chr16:30,737,296, A>G. VCF-style: chr16-30737296-A-G. GRCh37 (hg19) VCF-style: chr16-30748617-A-G.
Other names: short protein forms Q2419R.
Identifiers: ClinVar variation 2086616 (VCV002086616.4), dbSNP rs2506726459, ClinGen allele CA395632440.
Genomic context (GRCh38, chr16:30,737,296, plus strand): 5'-TTCGTGGAGCCCGGGCTGAGACTCAAGGGGCAAACCACACTCCTGTCATATCCGCCCATC[A>G]AACTCGCAGCACCACCACACCACCCCGCTGCAGTCCTGCCAGGGAGCGAGTTCCCAGGCC-3'
Protein context (NP_006653.2, residues 2409-2429): ANHTPVISAH[Gln2419Arg]TRSTTTPPRC